The following is an entry in ClinVar:

NM_178335.3(CCDC50):c.1181A>G (p.Lys394Arg)

Gene: CCDC50 (coiled-coil domain containing 50; plus strand). Cytogenetic location: 3q28.
Variant type: single nucleotide variant.
Coding change: c.1181A>G on transcript NM_178335.3 (MANE Select); coding-DNA position 1181, A replaced by G.
Protein change: p.Lys394Arg; replaces lysine 394 with arginine.
Molecular consequence: missense variant.
Genome position (GRCh38, 1-based): chr3:191,380,871, A>G. VCF-style: chr3-191380871-A-G. GRCh37 (hg19) VCF-style: chr3-191098660-A-G.
Other names: c.653A>G, p.Lys218Arg (NM_174908.4); short protein forms K394R, K218R.
Identifiers: ClinVar variation 162860 (VCV000162860.15), dbSNP rs114502673, ClinGen allele CA175450.
Genomic context (GRCh38, chr3:191,380,871, plus strand): 5'-GACTGTATTTTGTTTAGGAAATCGCTCGACTTCTAATGGCTGAAGAAAAGAAAGCTTACA[A>G]AAAAGCCAAGGAGCGGGAGAAATCATCTTTGGACAAAAGAAAGCAAGACCCCGAGTGGAA-3'
Protein context (NP_848018.1, residues 384-404): LLMAEEKKAY[Lys394Arg]KAKEREKSSL

ClinVar aggregate classification (germline): Benign. Review status: criteria provided, multiple submitters, no conflicts (2 of 4 stars). 6 submissions from 6 submitters: Benign (6). Last evaluated 2025-12-28.

Allele frequency attached by ClinVar (database versions not stated): gnomAD 0.00322 and 0.00383; TOPMed 0.00344; ESP Exome Variant Server 0.00354; 1000 Genomes Project 30x 0.00484; 1000 Genomes Project 0.00499; gnomAD exomes 0.00605 and 0.00648; ExAC 0.00653.
gnomAD v4.1: 10,054 of 1,613,084 alleles (0.62%); highest among the groups gnomAD compares: South Asian, 2.6%; 93 homozygotes.

Submissions (6):

Labcorp Genetics (formerly Invitae), Labcorp
Classification: Benign. Last evaluated: 2025-12-28. Review status: criteria provided, single submitter. Criteria: Invitae Variant Classification Sherloc (09022015). Collection method: clinical testing. Allele origin: germline.

Athena Diagnostics
Classification: Benign. Last evaluated: 2018-10-12. Review status: criteria provided, single submitter. Criteria: Athena Diagnostics Criteria. Collection method: clinical testing. Allele origin: germline.

GeneDx
Classification: Benign. Last evaluated: 2017-08-11. Review status: criteria provided, single submitter. Criteria: GeneDx Variant Classification (06012015). Collection method: clinical testing. Allele origin: germline. Affected: yes.
Comment: This variant is considered likely benign or benign based on one or more of the following criteria: it is a conservative change, it occurs at a poorly conserved position in the protein, it is predicted to be benign by multiple in silico algorithms, and/or has population frequency not consistent with disease.

Laboratory for Molecular Medicine, Mass General Brigham Personalized Medicine
Classification: Benign. Last evaluated: 2013-09-07. Review status: criteria provided, single submitter. Criteria: LMM Criteria. Collection method: clinical testing. Allele origin: germline. Observed: 19 variant alleles.
Comment: Lys394Arg in Exon 09 of CCDC50: This variant is not expected to have clinical si gnificance because it has been identified in 0.4% (30/7018) of European American chromosomes from a broad population by the NHLBI Exome Sequencing Project (dbSNP rs114502673).

Breakthrough Genomics
Classification: Benign. Review status: criteria provided, single submitter. Criteria: ACMG Guidelines, 2015. Collection method: not provided. Allele origin: germline. Inheritance: Autosomal dominant inheritance. Affected: yes.

PreventionGenetics, part of Exact Sciences
Classification: Benign. Review status: criteria provided, single submitter. Criteria: ACMG Guidelines, 2015. Collection method: clinical testing. Allele origin: germline.